The following is an entry in ClinVar:

NM_000202.8(IDS):c.1444_1445dup (p.Leu482fs)

Gene: IDS (iduronate 2-sulfatase; minus strand). Cytogenetic location: Xq28.
Variant type: Duplication.
Coding change: c.1444_1445dup on transcript NM_000202.8 (MANE Select); coding-DNA positions 1444 to 1445, 2 bases duplicated (TT; older notation c.1444_1445dupTT).
Protein change: p.Leu482fs; shifts the reading frame from leucine 482.
Molecular consequence: frameshift variant.
Genome position (GRCh38, 1-based): chrX:149,482,954-149,482,955, AA duplicated on the plus strand (TT on the coding strand, the reverse complement: IDS is on the minus strand); duplicating any 2 consecutive bases within chrX:149,482,954-149,482,956 gives the same sequence; the c. name uses the placement nearest the transcript's 3' end. VCF-style (leftmost placement, unchanged base first): chrX-149482953-T-TAA. GRCh37 (hg19) VCF-style: chrX-148564484-T-TAA.
Other names: c.1174_1175dup, p.Leu392fs (NM_001166550.4); short protein forms L392fs, L482fs.
Identifiers: ClinVar variation 3256063 (VCV003256063.2).
Genomic context (GRCh38, chrX:149,482,953, plus strand): 5'-CCACACAGTATACCTATAGTCTATGGTGCGTATGGAATAGCCCATGATCTTTATATCTTT[T>TAA]AAACTCGGCTTGTCAGAATTCCACTGAGGGATGTCTGAAGGCCGGGGATACTGGCTATAG-3'

ClinVar aggregate classification (germline): Pathogenic (1 of 4 stars; one submission).

Conditions:
Mucopolysaccharidosis, MPS-II (MPS2). Also called: Hunter Syndrome; IDURONATE 2-SULFATASE DEFICIENCY; Mucopolysaccharidosis Type II; Mucopolysaccharidosis type 2; Attenuated MPS (subtype; formerly known as mild MPS II); Severe MPS II. Identifiers: Orphanet 580, Orphanet 79388, MedGen C0026705, MONDO:0010674, OMIM 309900.

Submission:

Laboratory of Diagnosis and Therapy of Lysosomal Disorders, University of Padova
Classification: Pathogenic for Mucopolysaccharidosis, MPS-II. Last evaluated: 2024-06-07. Review status: criteria provided, single submitter. Criteria: ACMG Guidelines, 2015. Collection method: literature only. Allele origin: germline. Affected: yes. Observed: 2 variant alleles.
Comment: Null variant (PVS1_Strong), Absent from controls (or at low frequency) in gnomAD database (PM2_Moderate), Patient’s phenotype or family history highly specific for the disease (PP4_Strong)

Classification method: ACMG Guidelines [PMID:25741868] with modifications

Literature cited by the submitters: PubMed 16456790; PubMed 30639582.